The following is an entry in ClinVar:

NM_007315.4(STAT1):c.633+6T>A

Gene: STAT1 (signal transducer and activator of transcription 1; minus strand). Cytogenetic location: 2q32.2.
Variant type: single nucleotide variant.
Coding change: c.633+6T>A on transcript NM_007315.4 (MANE Select); 6 bases into the intron after coding-DNA position 633, T replaced by A.
Molecular consequence: intron variant.
Genome position (GRCh38, 1-based): chr2:190,998,211, A>T on the plus strand (T>A on the coding strand, the complement: STAT1 is on the minus strand). VCF-style: chr2-190998211-A-T. GRCh37 (hg19) VCF-style: chr2-191862937-A-T.
Other names: p.?; c.543+6T>A (NM_001384890.1); c.535-204T>A (NM_001384883.1); c.633+6T>A (NM_001384885.1, NM_001384887.1, NM_001384880.1 and 5 more transcripts); c.669+6T>A (NM_001384891.1); c.639+6T>A (NM_001384884.1, NM_001384881.1).
Identifiers: ClinVar variation 333289 (VCV000333289.63), dbSNP rs45459703, ClinGen allele CA2030184.

ClinVar aggregate classification (germline): Conflicting classifications of pathogenicity. Review status: criteria provided, conflicting classifications (1 of 4 stars). 9 submissions from 9 submitters: Uncertain significance (1); Benign (3); Likely benign (2). 3 of the submissions do not count toward it. Last evaluated 2026-09-01.

Conditions:
Mendelian susceptibility to mycobacterial diseases due to partial STAT1 deficiency. Also called: IMMUNODEFICIENCY 31A, MYCOBACTERIOSIS, AUTOSOMAL DOMINANT; STAT1 DEFICIENCY, AUTOSOMAL DOMINANT; Immunodeficiency 31a. Identifiers: Orphanet 319595, MedGen C4013950, MONDO:0013956, OMIM 614892.
STAT1-related disorder. Also called: STAT1-related condition.
Autoimmune enteropathy and endocrinopathy - susceptibility to chronic infections syndrome. Also called: Immunodeficiency 31C; Immunodeficiency 31C, autosomal dominant. Identifiers: Orphanet 391487, MedGen C3279990, MONDO:0013599, OMIM 614162.
Immunodeficiency 31B. Also called: STAT1 DEFICIENCY, AUTOSOMAL RECESSIVE; IMMUNODEFICIENCY 31B, MYCOBACTERIAL AND VIRAL INFECTIONS, AUTOSOMAL RECESSIVE. Identifiers: Orphanet 391311, MedGen C3151088, MONDO:0013427, OMIM 613796.

Allele frequency attached by ClinVar (database versions not stated): 1000 Genomes Project 0.00060; 1000 Genomes Project 30x 0.00062; ExAC 0.00299; gnomAD exomes 0.00307 and 0.00452; ESP Exome Variant Server 0.00308; TOPMed 0.00322; gnomAD 0.00328 and 0.00335.
gnomAD v4.1: 7,009 of 1,610,038 alleles (0.44%); highest among the groups gnomAD compares: Non-Finnish European, 0.54%; 26 homozygotes.

Submissions (12):

CeGaT Center for Human Genetics Tuebingen
Classification: Likely benign. Last evaluated: 2026-09-01. Review status: criteria provided, single submitter. Criteria: CeGaT Center For Human Genetics Tuebingen Variant Classification Criteria Version 2. Collection method: clinical testing. Allele origin: germline. Affected: yes. Observed: 20 variant alleles.
Comment: STAT1: BP4, BS2

Labcorp Genetics (formerly Invitae), Labcorp
Classification: Benign for Mendelian susceptibility to mycobacterial diseases due to partial STAT1 deficiency; Immunodeficiency 31B; Autoimmune enteropathy and endocrinopathy - susceptibility to chronic infections syndrome. Last evaluated: 2026-02-04. Review status: criteria provided, single submitter. Criteria: Invitae Variant Classification Sherloc (09022015). Collection method: clinical testing. Allele origin: germline.

Mayo Clinic Laboratories, Mayo Clinic
Classification: Benign. Last evaluated: 2025-03-25. Review status: criteria provided, single submitter. Criteria: ACMG Guidelines, 2015. Collection method: clinical testing. Allele origin: germline. Observed: 7 variant alleles.
Comment: BS1, BS2, BP4, BP7

Blueprint Genetics
Classification: Likely benign. Last evaluated: 2024-11-13. Review status: criteria provided, single submitter. Criteria: ACMG Guidelines, 2015. Collection method: clinical testing. Allele origin: germline.

Baylor Genetics
Classification: Uncertain significance for Mendelian susceptibility to mycobacterial diseases due to partial STAT1 deficiency. Last evaluated: 2018-03-22. Review status: criteria provided, single submitter. Criteria: ACMG Guidelines, 2015. Collection method: clinical testing. Allele origin: paternal. Affected: yes.
Comment: This variant was determined to be of uncertain significance according to ACMG Guidelines, 2015 [PMID:25741868].

Illumina Laboratory Services, Illumina
Classification: Benign for Mendelian susceptibility to mycobacterial diseases due to partial STAT1 deficiency. Last evaluated: 2018-01-12. Review status: criteria provided, single submitter. Criteria: ICSL Variant Classification Criteria 13 December 2019. Collection method: clinical testing. Allele origin: germline.
Comment: This variant was observed in the ICSL laboratory as part of a predisposition screen in an ostensibly healthy population. It had not been previously curated by ICSL or reported in the Human Gene Mutation Database (HGMD: prior to June 1st, 2018), and was therefore a candidate for classification through an automated scoring system. Utilizing variant allele frequency, disease prevalence and penetrance estimates, and inheritance mode, an automated score was calculated to assess if this variant is too frequent to cause the disease. Based on the score and internal cut-off values, a variant classified as benign is not then subjected to further curation. The score for this variant resulted in a classification of benign for this disease.

PreventionGenetics, part of Exact Sciences
Classification: Likely benign for STAT1-related condition. Last evaluated: 2019-04-01. Review status: no assertion criteria provided. Collection method: clinical testing. Allele origin: germline. Not counted in ClinVar's aggregate classification.
Comment: This variant is classified as likely benign based on ACMG/AMP sequence variant interpretation guidelines (Richards et al. 2015 PMID: 25741868, with internal and published modifications).

Clinical Genetics DNA and cytogenetics Diagnostics Lab, Erasmus MC, Erasmus Medical Center
Classification: Likely benign. Review status: no assertion criteria provided. Collection method: clinical testing. Allele origin: germline. Affected: yes. Study: VKGL Data-share Consensus. Not counted in ClinVar's aggregate classification.

Dr. Peter K. Rogan Lab, Western University
No classification provided (evidence only). Condition: Lung cancer. Review status: no classification provided. Collection method: in vitro. Allele origin: not applicable. Functional consequence: retained intron. Not counted in ClinVar's aggregate classification.

Dr. Peter K. Rogan Lab, Western University
No classification provided (evidence only). Condition: Acute myeloid leukemia. Review status: no classification provided. Collection method: in vitro. Allele origin: not applicable. Functional consequence: retained intron. Not counted in ClinVar's aggregate classification.

Dr. Peter K. Rogan Lab, Western University
No classification provided (evidence only). Condition: Malignant tumor of esophagus. Review status: no classification provided. Collection method: in vitro. Allele origin: not applicable. Functional consequence: retained intron. Not counted in ClinVar's aggregate classification.

Genome Diagnostics Laboratory, University Medical Center Utrecht
Classification: Likely benign. Review status: no assertion criteria provided. Collection method: clinical testing. Allele origin: germline. Affected: yes. Study: VKGL Data-share Consensus. Not counted in ClinVar's aggregate classification.